The following is an entry in ClinVar:

Conditions:
Breast-ovarian cancer, familial, susceptibility to, 1 (BROVCA1). Also called: BRCA1 Hereditary Breast and Ovarian Cancer; OVARIAN CANCER, SUSCEPTIBILITY TO. Identifiers: Orphanet 145, MedGen C2676676, MONDO:0011450, OMIM 604370. Disease mechanism: loss of function.

Submission:

Brotman Baty Institute, University of Washington
No classification provided (evidence only). Condition: Breast-ovarian cancer, familial 1. Review status: no classification provided. Collection method: in vitro. Allele origin: not applicable. Functional consequence: functionally_normal.
ClinVar note: "not provided" was previously submitted as the classification for the variant. However, the classification appeared to be based only on an observation of functional data so it was converted to no classification on 2025-07-30.

NM_007294.4(BRCA1):c.5153-10A>G

Gene: BRCA1 (BRCA1 DNA repair associated; minus strand). Cytogenetic location: 17q21.31.
Variant type: single nucleotide variant.
Coding change: c.5153-10A>G on transcript NM_007294.4 (MANE Select); 10 bases into the intron before coding-DNA position 5153, A replaced by G.
Molecular consequence: intron variant.
Genome position (GRCh38, 1-based): chr17:43,063,383, T>C on the plus strand (A>G on the coding strand, the complement: BRCA1 is on the minus strand). VCF-style: chr17-43063383-T-C. GRCh37 (hg19) VCF-style: chr17-41215400-T-C.
Other names: c.1700-10A>G (NM_001408458.1, NM_001408461.1, NM_001408464.1 and 7 more transcripts); c.4262-10A>G (NM_001407967.1); c.4772-10A>G (NM_001407959.1); c.4886-10A>G (NM_001407931.1, NM_001407932.1, NM_001407928.1 and 4 more transcripts); c.5009-10A>G (NM_001407747.1, NM_001407745.1, NM_001407737.1 and 21 more transcripts); c.4769-10A>G (NM_001407962.1, NM_001407960.1); c.1340-10A>G (NM_001408512.1); c.1463-10A>G (NM_001408510.1); and 72 more.
Identifiers: ClinVar variation 865059 (VCV000865059.3), dbSNP rs1238384819, ClinGen allele CA916080061.